The following is an entry in ClinVar:

ClinVar aggregate classification (germline): Likely pathogenic (1 of 4 stars; one submission).

Conditions:
Hereditary cancer-predisposing syndrome. Also called: Hereditary Cancer Syndrome; Hereditary neoplastic syndrome; Neoplastic Syndromes, Hereditary; Tumor predisposition. Identifiers: Orphanet 140162, MedGen C0027672, MeSH D009386, MONDO:0015356.

Submission:

Sema4
Classification: Likely pathogenic for Hereditary cancer-predisposing syndrome. Last evaluated: 2020-12-25. Review status: criteria provided, single submitter. Criteria: Sema4 Curation Guidelines. Collection method: curation. Allele origin: germline.
Comment: The PMS2 c.11_12insCCCGCTCACC (p.E5PfsX4) variant has not been reported in the literature to our knowledge. This variant causes a frameshift at amino acid 5 that results in premature termination 4 amino acids downstream. At this location, this is predicted to cause nonsense-mediated decay and result in an absent protein (loss of function). Loss of function variants in PMS2 are known to be pathogenic (PMID: 24362816) This variant is not reported in the population database Genome Aggregation Database (PMID: 27535533). Based on the current evidence available, this variant is interpreted as likely pathogenic.

Literature cited by the submitters: PubMed 24362816.

NM_000535.7(PMS2):c.11_12insCCCGCTCACC (p.Glu5fs)

Gene: PMS2 (PMS1 homolog 2, mismatch repair system component; minus strand). Cytogenetic location: 7p22.1.
Variant type: Insertion.
Coding change: c.11_12insCCCGCTCACC on transcript NM_000535.7 (MANE Select); coding-DNA positions 11 to 12, CCCGCTCACC inserted.
Protein change: p.Glu5fs; shifts the reading frame from glutamic acid 5.
Molecular consequence: frameshift variant. On other transcripts: 5 prime UTR variant (11), non-coding transcript variant (1).
Genome position: GRCh38 VCF-style: chr7-6009008-A-AGGTGAGCGGG. GRCh37 (hg19) VCF-style: chr7-6048639-A-AGGTGAGCGGG.
Other names: c.-390C[4]GCTCACC[1] (NM_001322003.2, NM_001322013.2); c.-255C[4]GCTCACC[1] (NM_001322004.2, NM_001322010.2); c.-585C[4]GCTCACC[1] (NM_001322005.2); c.11_12insCCCGCTCACC, p.Glu5fs (NM_001322006.2, NM_001322014.2); c.-205C[4]GCTCACC[1] (NM_001322007.2); c.-65C[4]GCTCACC[1] (NM_001322008.2); c.-580C[4]GCTCACC[1] (NM_001322009.2); c.-874C[4]GCTCACC[1] (NM_001322011.2); and 2 more; short protein forms E5fs.
Identifiers: ClinVar variation 1692453 (VCV001692453.1), dbSNP rs2128866103, ClinGen allele CA2573141964.